The following is an entry in ClinVar:

NM_002439.5(MSH3):c.2442del (p.Phe814fs)

Gene: MSH3 (mutS homolog 3; plus strand). Cytogenetic location: 5q14.1.
Variant type: Deletion.
Coding change: c.2442del on transcript NM_002439.5 (MANE Select); coding-DNA position 2442, one base deleted (C; older notation c.2442delC).
Protein change: p.Phe814fs; shifts the reading frame from phenylalanine 814.
Molecular consequence: frameshift variant.
Genome position (GRCh38, 1-based): chr5:80,787,571, C deleted. VCF-style (leftmost placement, unchanged base first): chr5-80787570-TC-T. GRCh37 (hg19) VCF-style: chr5-80083389-TC-T.
Other names: short protein forms F814fs.
Identifiers: ClinVar variation 4860344 (VCV004860344.1).

ClinVar aggregate classification (germline): Pathogenic (1 of 4 stars; one submission).

Conditions:
Hereditary cancer-predisposing syndrome. Also called: Neoplastic Syndromes, Hereditary; Tumor predisposition; Hereditary Cancer Syndrome; Hereditary neoplastic syndrome. Identifiers: Orphanet 140162, MedGen C0027672, MeSH D009386, MONDO:0015356.

Submission:

Ambry Genetics
Classification: Pathogenic for Hereditary cancer-predisposing syndrome. Last evaluated: 2026-04-30. Review status: criteria provided, single submitter. Criteria: Ambry Variant Classification Scheme 2023. Collection method: clinical testing. Allele origin: germline.
Comment: The c.2442delC pathogenic mutation, located in coding exon 18 of the MSH3 gene, results from a deletion of one nucleotide at nucleotide position 2442, causing a translational frameshift with a predicted alternate stop codon (p.F814Lfs*15). This variant is considered to be rare based on population cohorts in the Genome Aggregation Database (gnomAD). This variant is expected to result in loss of function by premature protein truncation or nonsense-mediated mRNA decay. As such, this variant is interpreted as a disease-causing mutation.